The following is an entry in ClinVar:

ClinVar aggregate classification (germline): Conflicting classifications of pathogenicity. Review status: criteria provided, conflicting classifications (1 of 4 stars). 2 submissions from 2 submitters: Uncertain significance (1); Benign (1). Last evaluated 2026-03-05.

Allele frequency attached by ClinVar (database versions not stated): gnomAD exomes 0.00001; ExAC 0.00003.
gnomAD v4.1: 15 of 1,614,048 alleles (0.00093%); highest among the groups gnomAD compares: South Asian, 0.016%; no homozygotes.

Submissions (2):

GeneDx
Classification: Uncertain significance. Last evaluated: 2026-03-05. Review status: criteria provided, single submitter. Criteria: GeneDx Variant Classification Process June 2021. Collection method: clinical testing. Allele origin: germline.
Comment: In silico analysis suggests that this missense variant does not alter protein structure/function; Occurs in the triple helical domain at the X position in the canonical Gly-X-Y repeat; although this variant may have an effect on normal protein folding and function, missense substitution at the X position is not a common mechanism of disease; Has not been previously published as pathogenic or benign to our knowledge

Labcorp Genetics (formerly Invitae), Labcorp
Classification: Benign. Last evaluated: 2025-06-03. Review status: criteria provided, single submitter. Criteria: Invitae Variant Classification Sherloc (09022015). Collection method: clinical testing. Allele origin: germline.

NM_000092.5(COL4A4):c.4199G>A (p.Arg1400Lys)

Gene: COL4A4 (collagen type IV alpha 4 chain; minus strand). Cytogenetic location: 2q36.3.
Variant type: single nucleotide variant.
Coding change: c.4199G>A on transcript NM_000092.5 (MANE Select); coding-DNA position 4199, G replaced by A.
Protein change: p.Arg1400Lys; replaces arginine 1400 with lysine.
Molecular consequence: missense variant.
Genome position (GRCh38, 1-based): chr2:227,022,065, C>T on the plus strand (G>A on the coding strand, the complement: COL4A4 is on the minus strand). VCF-style: chr2-227022065-C-T. GRCh37 (hg19) VCF-style: chr2-227886781-C-T.
Other names: short protein forms R1400K.
Identifiers: ClinVar variation 2892757 (VCV002892757.4), dbSNP rs780107139, ClinGen allele CA2144253.